The following is an entry in ClinVar:

ClinVar aggregate classification (germline): Uncertain significance (1 of 4 stars; one submission).

Allele frequency attached by ClinVar (database versions not stated): gnomAD exomes 0.00001; gnomAD 0.00002; TOPMed 0.00002.

Submission:

Labcorp Genetics (formerly Invitae), Labcorp
Classification: Uncertain significance. Last evaluated: 2023-01-27. Review status: criteria provided, single submitter. Criteria: Invitae Variant Classification Sherloc (09022015). Collection method: clinical testing. Allele origin: germline.
Comment: This variant is present in population databases (no rsID available, gnomAD 0.001%). In summary, the available evidence is currently insufficient to determine the role of this variant in disease. Therefore, it has been classified as a Variant of Uncertain Significance. Algorithms developed to predict the effect of missense changes on protein structure and function output the following: SIFT: "Tolerated"; PolyPhen-2: "Benign"; Align-GVGD: "Class C0". The alanine amino acid residue is found in multiple mammalian species, which suggests that this missense change does not adversely affect protein function. This variant has not been reported in the literature in individuals affected with NEXMIF-related conditions. This sequence change replaces serine, which is neutral and polar, with alanine, which is neutral and non-polar, at codon 601 of the NEXMIF protein (p.Ser601Ala).

NM_001008537.3(NEXMIF):c.1801T>G (p.Ser601Ala)

Gene: NEXMIF (neurite extension and migration factor; minus strand). Cytogenetic location: Xq13.3.
Variant type: single nucleotide variant.
Coding change: c.1801T>G on transcript NM_001008537.3 (MANE Select); coding-DNA position 1801, T replaced by G.
Protein change: p.Ser601Ala; replaces serine 601 with alanine.
Molecular consequence: missense variant.
Genome position (GRCh38, 1-based): chrX:74,742,756, A>C on the plus strand (T>G on the coding strand, the complement: NEXMIF is on the minus strand). VCF-style: chrX-74742756-A-C. GRCh37 (hg19) VCF-style: chrX-73962591-A-C.
Other names: short protein forms S601A.
Identifiers: ClinVar variation 2871615 (VCV002871615.3), dbSNP rs902771896, ClinGen allele CA331301775.